The following is an entry in ClinVar:

ClinVar aggregate classification (germline): Pathogenic (1 of 4 stars; one submission).

Conditions:
Neuromuscular disease caused by qualitative or quantitative defects of dystrophin. Also called: Qualitative or quantitative defects of dystrophin. Identifiers: Orphanet 207085, MedGen C5679787, MONDO:0016147.

Submission:

Women's Health and Genetics/Laboratory Corporation of America, LabCorp
Classification: Pathogenic for Neuromuscular disease caused by qualitative or quantitative defects of dystrophin. Last evaluated: 2025-11-13. Review status: criteria provided, single submitter. Criteria: LabCorp Variant Classification Summary - May 2015. Collection method: clinical testing. Allele origin: germline.
Comment: Variant summary: The variant involves the deletion of exons 53-54 in the DMD gene. This Copy Number Variant (CNV) is expected to alter the reading frame and predicted to result in a truncation or absence of the encoded protein due to nonsense mediated decay (NMD). Loss-of-function variants in this gene are known to be pathogenic. A presumed nomenclature of c.(7660+1_7661-1)_(8027+1_8028-1)del has been designated for the purposes of this classification. The variant was absent in 16120 control chromosomes. c.(7660+1_7661-1)_(8027+1_8028-1)del has been observed in individual(s) affected with Duchenne muscular dystrophy (example: Lim_2011). The following publication has been ascertained in the context of this evaluation (PMID: 21969337). ClinVar contains an entry for this variant (Variation ID: 833040). Based on the evidence outlined above, the variant was classified as pathogenic.

Literature cited by the submitters: PubMed 21969337.

NC_000023.10:g.(31645980_31676106)_(31697704_31747747)del

Gene: DMD (dystrophin; minus strand). Cytogenetic location: Xp21.1.
Variant type: Deletion.
Identifiers: ClinVar variation 4536750 (VCV004536750.1).